The following is an entry in ClinVar:

NM_000321.3(RB1):c.1968dup (p.Leu657fs)

Gene: RB1 (RB transcriptional corepressor 1; plus strand). Cytogenetic location: 13q14.2.
Variant type: Duplication.
Coding change: c.1968dup on transcript NM_000321.3 (MANE Select); coding-DNA position 1968, one base duplicated (G; older notation c.1968dupG).
Protein change: p.Leu657fs; shifts the reading frame from leucine 657.
Molecular consequence: frameshift variant.
Genome position (GRCh38, 1-based): chr13:48,459,695, G duplicated; the last of 2 consecutive G bases (chr13:48,459,694-48,459,695); duplicating either gives the same sequence. VCF-style (leftmost placement, unchanged base first): chr13-48459693-C-CG. GRCh37 (hg19) VCF-style: chr13-49033829-C-CG.
Other names: c.1968dup, p.Leu657fs (NM_001407165.1); short protein forms L657fs.
Identifiers: ClinVar variation 3237050 (VCV003237050.1), dbSNP rs2542367909.

ClinVar aggregate classification (germline): Pathogenic (1 of 4 stars; one submission).

Conditions:
Retinoblastoma (RB1). Also called: RETINOBLASTOMA, SOMATIC. Identifiers: Orphanet 790, MedGen C0035335, MeSH D012175, MONDO:0008380, OMIM 180200, HP:0009919. Disease mechanism: loss of function. Inheritance: Both sporadic and heritable forms are tested..

Submission:

Genetic Diagnostic Laboratory, University of Pennsylvania School of Medicine
Classification: Pathogenic for Retinoblastoma. Last evaluated: 2024-05-20. Review status: criteria provided, single submitter. Criteria: ACMG Guidelines, 2015. Collection method: clinical testing. Allele origin: germline. Affected: yes. Observed: 1 variant allele.
Comment: Case and Pedigree Information: BILATERAL CASES:1, UNILATERAL CASES:0, TOTAL CASES:1, PEDIGREES:1. ACMG Codes Applied:PVS1, PM2